The following is an entry in ClinVar:

ClinVar aggregate classification (germline): Pathogenic. Review status: criteria provided, multiple submitters, no conflicts (2 of 4 stars). 2 submissions from 2 submitters: Pathogenic (2). Last evaluated 2020-08-20.

Conditions:
Familial hypobetalipoproteinemia 1. Also called: Hypobetalipoproteinemia, normotriglyceridemic; Acanthocytosis with hypobetalipoproteinemia; APOB-Related Familial Hypobetalipoproteinemia. Identifiers: MedGen C4551990, MONDO:0014252, OMIM 615558.
Hypercholesterolemia, autosomal dominant, type B (FHCL2). Also called: APOLIPOPROTEIN B-100, FAMILIAL DEFECTIVE; APOLIPOPROTEIN B-100, FAMILIAL LIGAND-DEFECTIVE; HYPERCHOLESTEROLEMIA, FAMILIAL, DUE TO LIGAND-DEFECTIVE APOLIPOPROTEIN B; Hyperlipoproteinemia Type IIb; Familial hypercholesterolemia 2; APOB-Related Familial Hypercholesterolemia, Autosomal Dominant. Identifiers: MedGen C1704417, MONDO:0007751, OMIM 144010.
Cardiovascular phenotype. Identifiers: MedGen CN230736.

Allele frequency attached by ClinVar (database versions not stated): gnomAD exomes below 0.00001.
gnomAD v4.1: 2 of 1,614,210 alleles (0.00012%); highest among the groups gnomAD compares: Non-Finnish European, 0.00017%; no homozygotes.

Submissions (2):

Ambry Genetics
Classification: Pathogenic for Cardiovascular phenotype. Last evaluated: 2020-08-20. Review status: criteria provided, single submitter. Criteria: Ambry Variant Classification Scheme 2023. Collection method: clinical testing. Allele origin: germline.
Comment: The p.Q1336* pathogenic mutation (also known as c.4006C>T), located in coding exon 25 of the APOB gene, results from a C to T substitution at nucleotide position 4006. This changes the amino acid from a glutamine to a stop codon within coding exon 25. This mutation (also described as p.Q1309* or p.Q1309X) has been detected in multiple individuals with familial hypobetalipoproteinemia, including some compound heterozygotes who have another alteration in APOB (p.R3527Q, c.10580G>A) (Fouchier SW et al. J. Med. Genet., 2005 Apr;42:e23; Huijgen R et al. Hum. Mutat., 2012 Feb;33:448-55). Co-segregation has also been reported in several affected family members (Fouchier SW et al. J. Med. Genet., 2005 Apr;42:e23; Huijgen R et al. Hum. Mutat., 2012 Feb;33:448-55). In addition to the clinical data presented in the literature, this alteration is expected to result in loss of function by premature protein truncation or nonsense-mediated mRNA decay. As such, this alteration is interpreted as a disease-causing mutation.

Labcorp Genetics (formerly Invitae), Labcorp
Classification: Pathogenic for Familial hypobetalipoproteinemia 1; Hypercholesterolemia, autosomal dominant, type B. Last evaluated: 2019-05-13. Review status: criteria provided, single submitter. Criteria: Invitae Variant Classification Sherloc (09022015). Collection method: clinical testing. Allele origin: germline.
Comment: This sequence change creates a premature translational stop signal (p.Gln1336*) in the APOB gene. It is expected to result in an absent or disrupted protein product. For these reasons, this variant has been classified as Pathogenic. Loss-of-function variants in APOB are known to be pathogenic (PMID: 20032471). This variant has been observed to segregate with familial hypobetalipoproteinaemia in families (PMID: 15805152). This variant is also described as Q1309X in the literature. This variant is not present in population databases (ExAC no frequency).

Literature cited by the submitters: PubMed 15805152 (cited by Ambry Genetics and Labcorp Genetics (formerly Invitae), Labcorp); PubMed 22095935 (cited by Ambry Genetics); PubMed 20032471 (cited by Labcorp Genetics (formerly Invitae), Labcorp).

NM_000384.3(APOB):c.4006C>T (p.Gln1336Ter)

Gene: APOB (apolipoprotein B; minus strand). Cytogenetic location: 2p24.1.
Variant type: single nucleotide variant.
Coding change: c.4006C>T on transcript NM_000384.3 (MANE Select); coding-DNA position 4006, C replaced by T.
Protein change: p.Gln1336Ter; replaces glutamine 1336 with a stop codon.
Molecular consequence: nonsense.
Genome position (GRCh38, 1-based): chr2:21,013,370, G>A on the plus strand (C>T on the coding strand, the complement: APOB is on the minus strand). VCF-style: chr2-21013370-G-A. GRCh37 (hg19) VCF-style: chr2-21236242-G-A.
Other names: short protein forms Q1336*.
Identifiers: ClinVar variation 855100 (VCV000855100.16), dbSNP rs1663384393, ClinGen allele CA346007813.